The following is an entry in ClinVar:

NM_000166.6(GJB1):c.199C>T (p.Gln67Ter)

Gene: GJB1 (gap junction protein beta 1; plus strand). Cytogenetic location: Xq13.1.
Variant type: single nucleotide variant.
Coding change: c.199C>T on transcript NM_000166.6 (MANE Select); coding-DNA position 199, C replaced by T.
Protein change: p.Gln67Ter; replaces glutamine 67 with a stop codon.
Molecular consequence: nonsense.
Genome position (GRCh38, 1-based): chrX:71,223,906, C>T. VCF-style: chrX-71223906-C-T. GRCh37 (hg19) VCF-style: chrX-70443756-C-T.
Other names: c.199C>T, p.Gln67Ter (NM_001097642.3); short protein forms Q67*.
Identifiers: ClinVar variation 841323 (VCV000841323.8), dbSNP rs2092543211, ClinGen allele CA413501411.

ClinVar aggregate classification (germline): Pathogenic (1 of 4 stars; one submission).

Conditions:
Charcot-Marie-Tooth Neuropathy X. Identifiers: MedGen CN118851.

Submission:

Labcorp Genetics (formerly Invitae), Labcorp
Classification: Pathogenic for Charcot-Marie-Tooth Neuropathy X. Last evaluated: 2019-02-04. Review status: criteria provided, single submitter. Criteria: Invitae Variant Classification Sherloc (09022015). Collection method: clinical testing. Allele origin: germline.
Comment: A different truncation (p.Arg220*) that lies downstream of this variant has been determined to be pathogenic (PMID: 8162049, 9364054). This suggests that variants that disrupt this region of the protein are likely to be causative of disease. For these reasons, this variant has been classified as Pathogenic. Experimental studies and prediction algorithms are not available for this variant, and the functional significance of the affected amino acid(s) is currently unknown. This variant has not been reported in the literature in individuals with GJB1-related conditions. This variant is not present in population databases (ExAC no frequency). This sequence change results in a premature translational stop signal in the GJB1 gene (p.Gln67*). While this is not anticipated to result in nonsense mediated decay, it is expected to disrupt the last 217 amino acids of the GJB1 protein.

Literature cited by the submitters: PubMed 8162049; PubMed 9364054.